The following is an entry in ClinVar:

NM_002439.5(MSH3):c.1935A>C (p.Leu645Phe)

Gene: MSH3 (mutS homolog 3; plus strand). Cytogenetic location: 5q14.1.
Variant type: single nucleotide variant.
Coding change: c.1935A>C on transcript NM_002439.5 (MANE Select); coding-DNA position 1935, A replaced by C.
Protein change: p.Leu645Phe; replaces leucine 645 with phenylalanine.
Molecular consequence: missense variant.
Genome position (GRCh38, 1-based): chr5:80,767,971, A>C. VCF-style: chr5-80767971-A-C. GRCh37 (hg19) VCF-style: chr5-80063790-A-C.
Other names: short protein forms L645F.
Identifiers: ClinVar variation 4860348 (VCV004860348.1).

ClinVar aggregate classification (germline): Uncertain significance (1 of 4 stars; one submission).

Conditions:
Hereditary cancer-predisposing syndrome. Also called: Neoplastic Syndromes, Hereditary; Tumor predisposition; Hereditary Cancer Syndrome; Hereditary neoplastic syndrome. Identifiers: Orphanet 140162, MedGen C0027672, MeSH D009386, MONDO:0015356.

Submission:

Ambry Genetics
Classification: Uncertain significance for Hereditary cancer-predisposing syndrome. Last evaluated: 2026-05-08. Review status: criteria provided, single submitter. Criteria: Ambry Variant Classification Scheme 2023. Collection method: clinical testing. Allele origin: germline.
Comment: The p.L645F variant (also known as c.1935A>C), located in coding exon 14 of the MSH3 gene, results from an A to C substitution at nucleotide position 1935. The leucine at codon 645 is replaced by phenylalanine, an amino acid with highly similar properties. This amino acid position is highly conserved in available vertebrate species. In addition, the in silico prediction for this alteration is inconclusive. Based on the available evidence, the clinical significance of this variant remains unclear.